The following is an entry in ClinVar:

ClinVar aggregate classification (germline): Uncertain significance (1 of 4 stars; one submission).

Submission:

Labcorp Genetics (formerly Invitae), Labcorp
Classification: Uncertain significance. Last evaluated: 2022-07-19. Review status: criteria provided, single submitter. Criteria: Invitae Variant Classification Sherloc (09022015). Collection method: clinical testing. Allele origin: germline.
Comment: In summary, the available evidence is currently insufficient to determine the role of this variant in disease. Therefore, it has been classified as a Variant of Uncertain Significance. Advanced modeling of protein sequence and biophysical properties (such as structural, functional, and spatial information, amino acid conservation, physicochemical variation, residue mobility, and thermodynamic stability) performed at Invitae indicates that this missense variant is not expected to disrupt SLC26A5 protein function. ClinVar contains an entry for this variant (Variation ID: 1472761). This variant has not been reported in the literature in individuals affected with SLC26A5-related conditions. This variant is not present in population databases (gnomAD no frequency). This sequence change replaces glutamine, which is neutral and polar, with lysine, which is basic and polar, at codon 14 of the SLC26A5 protein (p.Gln14Lys).

NM_198999.3(SLC26A5):c.40C>A (p.Gln14Lys)

Gene: SLC26A5 (solute carrier family 26 member 5; minus strand). Cytogenetic location: 7q22.1.
Variant type: single nucleotide variant.
Coding change: c.40C>A on transcript NM_198999.3 (MANE Select); coding-DNA position 40, C replaced by A.
Protein change: p.Gln14Lys; replaces glutamine 14 with lysine.
Molecular consequence: missense variant. On other transcripts: non-coding transcript variant (5).
Genome position (GRCh38, 1-based): chr7:103,421,475, G>T on the plus strand (C>A on the coding strand, the complement: SLC26A5 is on the minus strand). VCF-style: chr7-103421475-G-T. GRCh37 (hg19) VCF-style: chr7-103061922-G-T.
Other names: c.40C>A, p.Gln14Lys (NM_001167962.2, NM_001321787.2, NM_206883.3 and 2 more transcripts); short protein forms Q14K.
Identifiers: ClinVar variation 1472761 (VCV001472761.8), dbSNP rs2116727413, ClinGen allele CA368738407.